The following is an entry in ClinVar:

NM_000059.4(BRCA2):c.2837A>T (p.Asp946Val)

Gene: BRCA2 (BRCA2 DNA repair associated; plus strand). Cytogenetic location: 13q13.1.
Variant type: single nucleotide variant.
Coding change: c.2837A>T on transcript NM_000059.4 (MANE Select); coding-DNA position 2837, A replaced by T.
Protein change: p.Asp946Val; replaces aspartic acid 946 with valine.
Molecular consequence: missense variant.
Genome position (GRCh38, 1-based): chr13:32,337,192, A>T. VCF-style: chr13-32337192-A-T. GRCh37 (hg19) VCF-style: chr13-32911329-A-T.
Other names: short protein forms D946V.
Identifiers: ClinVar variation 236844 (VCV000236844.18), dbSNP rs55972907, ClinGen allele CA10583085.

ClinVar aggregate classification (germline): Conflicting classifications of pathogenicity. Review status: criteria provided, conflicting classifications (1 of 4 stars). 5 submissions from 5 submitters: Uncertain significance (4); Likely benign (1). Last evaluated 2024-10-31.

Conditions:
Hereditary cancer-predisposing syndrome. Also called: Tumor predisposition; Hereditary Cancer Syndrome; Hereditary neoplastic syndrome; Neoplastic Syndromes, Hereditary. Identifiers: Orphanet 140162, MedGen C0027672, MeSH D009386, MONDO:0015356.
Hereditary breast ovarian cancer syndrome. Also called: Hereditary breast and ovarian cancer; Breast and ovarian cancer; BRCA1- and BRCA2-Associated Hereditary Breast and Ovarian Cancer; Hereditary breast and ovarian cancer syndrome; Hereditary breast and ovarian cancer syndrome (HBOC); Hereditary breast and/or ovarian cancer syndrome. Identifiers: Orphanet 145, MedGen C0677776, MeSH D061325, MONDO:0003582. Disease mechanism: loss of function.
Breast-ovarian cancer, familial, susceptibility to, 2 (BROVCA2). Also called: BRCA2 Hereditary Breast and Ovarian Cancer. Identifiers: Orphanet 145, MedGen C2675520, MONDO:0012933, OMIM 612555. Disease mechanism: loss of function.

Submissions (5):

Quest Diagnostics Nichols Institute San Juan Capistrano
Classification: Uncertain significance. Last evaluated: 2024-10-31. Review status: criteria provided, single submitter. Criteria: Quest Diagnostics criteria. Collection method: clinical testing. Allele origin: unknown.
Comment: The BRCA2 c.2837A>T (p.Asp946Val) variant has been reported in the published literature as having an inconclusive effect on protein function in a functional study (PMID: 36471068 (2022)), and described to be located in a region of the BRCA2 gene that is tolerant to missense sequence changes (PMID: 31911673 (2020)). This variant has not been reported in large, multi-ethnic general populations (Genome Aggregation Database). Analysis of this variant using bioinformatics tools for the prediction of the effect of amino acid changes on protein structure and function yielded predictions that this variant is benign. Based on the available information, we are unable to determine the clinical significance of this variant.

Ambry Genetics
Classification: Uncertain significance for Hereditary cancer-predisposing syndrome. Last evaluated: 2024-08-17. Review status: criteria provided, single submitter. Criteria: Ambry Variant Classification Scheme 2023. Collection method: clinical testing. Allele origin: germline.
Comment: The p.D946V variant (also known as c.2837A>T), located in coding exon 10 of the BRCA2 gene, results from an A to T substitution at nucleotide position 2837. The aspartic acid at codon 946 is replaced by valine, an amino acid with highly dissimilar properties. This amino acid position is not well conserved in available vertebrate species. In addition, the in silico prediction for this alteration is inconclusive. Since supporting evidence is limited at this time, the clinical significance of this alteration remains unclear.

All of Us Research Program, National Institutes of Health
Classification: Uncertain significance for Breast-ovarian cancer, familial, susceptibility to, 2. Last evaluated: 2023-06-08. Review status: criteria provided, single submitter. Criteria: ACMG Guidelines, 2015. Collection method: clinical testing. Allele origin: germline. Inheritance: Autosomal dominant inheritance. Observed: 1 variant allele, 1 heterozygote.
Comment: This missense variant replaces aspartic acid with valine at codon 946 of the BRCA2 protein. Computational prediction suggests that this variant may not impact protein structure and function (internally defined REVEL score threshold <= 0.5, PMID: 27666373). A cell population-based knock-in assay functional study showed that this variant does not impact cell viability or response to PARP inhibitors (PMID: 36471068). To our knowledge, this variant has not been reported in individuals affected with BRCA2-related disorders in the literature. This variant has not been identified in the general population by the Genome Aggregation Database (gnomAD). The available evidence is insufficient to determine the role of this variant in disease conclusively. Therefore, this variant is classified as a Variant of Uncertain Significance.

This study involves interpretation of variants in research participants for the purpose of population health screening. Participant phenotype was not available at the time of variant classification. Additional details can be found in publication PMID: 35346344, PMCID: PMC8962531

University of Washington Department of Laboratory Medicine, University of Washington
Classification: Likely benign for Hereditary cancer-predisposing syndrome. Last evaluated: 2023-03-23. Review status: criteria provided, single submitter. Criteria: Dines et al. (Genet Med. 2020). Collection method: curation. Allele origin: germline.
Comment: Missense variant in a coldspot region where missense variants are very unlikely to be pathogenic (PMID:31911673).

BRCA2 exon 11 coldspot. Reclassification based on statistical prior probability.

Labcorp Genetics (formerly Invitae), Labcorp
Classification: Uncertain significance for Hereditary breast ovarian cancer syndrome. Last evaluated: 2019-08-28. Review status: criteria provided, single submitter. Criteria: Invitae Variant Classification Sherloc (09022015). Collection method: clinical testing. Allele origin: germline.
Comment: In summary, this variant is a novel missense change with uncertain impact on protein function. It has been classified as a Variant of Uncertain Significance. Algorithms developed to predict the effect of missense changes on protein structure and function do not agree on the potential impact of this missense change (SIFT: "Deleterious"; PolyPhen-2: "Possibly Damaging"; Align-GVGD: "Class C0"). This variant is not present in population databases (ExAC no frequency) and has not been reported in the literature in individuals with a BRCA2-related disease. This sequence change replaces aspartic acid with valine at codon 946 of the BRCA2 protein (p.Asp946Val). The aspartic acid residue is moderately conserved and there is a large physicochemical difference between aspartic acid and valine.

Literature cited by the submitters: PubMed 36471068 (cited by Quest Diagnostics Nichols Institute San Juan Capistrano and All of Us Research Program, National Institutes of Health); PubMed 31911673 (cited by Quest Diagnostics Nichols Institute San Juan Capistrano).